The following is an entry in ClinVar:

NM_004979.6(KCND1):c.179G>A (p.Arg60His)

Gene: KCND1 (potassium voltage-gated channel subfamily D member 1; minus strand). Cytogenetic location: Xp11.23.
Variant type: single nucleotide variant.
Coding change: c.179G>A on transcript NM_004979.6 (MANE Select); coding-DNA position 179, G replaced by A.
Protein change: p.Arg60His; replaces arginine 60 with histidine.
Molecular consequence: missense variant.
Genome position (GRCh38, 1-based): chrX:48,970,093, C>T on the plus strand (G>A on the coding strand, the complement: KCND1 is on the minus strand). VCF-style: chrX-48970093-C-T. GRCh37 (hg19) VCF-style: chrX-48826500-C-T.
Other names: short protein forms R60H.
Identifiers: ClinVar variation 4525949 (VCV004525949.1).

ClinVar aggregate classification (germline): Uncertain significance (1 of 4 stars; one submission).

gnomAD v4.1: 2 of 1,210,128 alleles (0.00017%); highest among the groups gnomAD compares: Non-Finnish European, 0.00022%; no homozygotes.

Submission:

Women's Health and Genetics/Laboratory Corporation of America, LabCorp
Classification: Uncertain significance. Last evaluated: 2025-07-14. Review status: criteria provided, single submitter. Criteria: LabCorp Variant Classification Summary - May 2015. Collection method: clinical testing. Allele origin: germline.
Comment: Variant summary: KCND1 c.179G>A (p.Arg60His) results in a non-conservative amino acid change in the encoded protein sequence. Algorithms developed to predict the effect of missense changes on protein structure and function are either unavailable or do not agree on the potential impact of this missense change. The variant was absent in 179060 control chromosomes (gnomAD). The available data on variant occurrences in the general population are insufficient to allow any conclusion about variant significance. To our knowledge, no occurrence of c.179G>A in individuals affected with Neurodevelopmental Disorder and no experimental evidence demonstrating its impact on protein function have been reported. No submitters have cited clinical-significance assessments for this variant to ClinVar. Based on the evidence outlined above, the variant was classified as uncertain significance.